The following is an entry in ClinVar:

ClinVar aggregate classification (germline): Pathogenic. Review status: criteria provided, multiple submitters, no conflicts (2 of 4 stars). 9 submissions from 9 submitters: Pathogenic (8). 1 of the submissions does not count toward it. Last evaluated 2026-01-01.

Conditions:
Polycystic kidney disease 4 (PKD4). Also called: PKD3; POLYCYSTIC KIDNEY AND HEPATIC DISEASE 1; POLYCYSTIC KIDNEY DISEASE, INFANTILE, TYPE I; Autosomal Recessive Polycystic Kidney Disease – PKHD1; POLYCYSTIC KIDNEY DISEASE 4 WITH OR WITHOUT POLYCYSTIC LIVER DISEASE. Identifiers: MedGen C4540575, MONDO:0033004, OMIM 263200.
Autosomal recessive polycystic kidney disease (ARPKD). Also called: AR polycystic kidney disease. Identifiers: Orphanet 731, Orphanet 8378, MedGen C0085548, MeSH D017044, MONDO:0009889.

Allele frequency attached by ClinVar (database versions not stated): gnomAD exomes 0.00001; TOPMed 0.00002.
gnomAD v4.1: 8 of 1,613,856 alleles (0.0005%); highest among the groups gnomAD compares: Non-Finnish European, 0.00068%; no homozygotes.

Submissions (9):

CeGaT Center for Human Genetics Tuebingen
Classification: Pathogenic. Last evaluated: 2026-01-01. Review status: criteria provided, single submitter. Criteria: CeGaT Center For Human Genetics Tuebingen Variant Classification Criteria Version 2. Collection method: clinical testing. Allele origin: germline. Affected: yes. Observed: 1 variant allele.
Comment: PKHD1: PVS1, PM3:Strong, PM2

Natera, Inc.
Classification: Pathogenic for Autosomal recessive polycystic kidney disease. Last evaluated: 2025-10-27. Review status: criteria provided, single submitter. Criteria: Natera Variant Classification Schema (03/2026). Collection method: clinical testing. Allele origin: germline.
Comment: The c.9718C>T variant in PKHD1 is a nonsense variant predicted to introduce a stop codon at amino acid 3240. This variant is expected to result in nonsense mediated decay, truncation, or a dysfunctional protein product. This variant is rare in the general population with a frequency below the threshold expected for the associated phenotype(s). This variant has been observed in one or more individuals affected with the associated recessive disease, as either homozygous or compound heterozygous with a second variant (PMID: 12506140). Additionally, this variant has been observed to segregate in affected family members (PMID: 12506140). Given the available evidence, this variant is classified as Pathogenic.

Labcorp Genetics (formerly Invitae), Labcorp
Classification: Pathogenic for Autosomal recessive polycystic kidney disease. Last evaluated: 2025-01-08. Review status: criteria provided, single submitter. Criteria: Invitae Variant Classification Sherloc (09022015). Collection method: clinical testing. Allele origin: germline.
Comment: This sequence change creates a premature translational stop signal (p.Arg3240*) in the PKHD1 gene. It is expected to result in an absent or disrupted protein product. Loss-of-function variants in PKHD1 are known to be pathogenic (PMID: 19940839). This variant is present in population databases (no rsID available, gnomAD 0.01%). This premature translational stop signal has been observed in individual(s) with polycystic kidney disease (PMID: 12506140, 30650191). ClinVar contains an entry for this variant (Variation ID: 370548). Algorithms developed to predict the effect of sequence changes on RNA splicing suggest that this variant may disrupt the consensus splice site. For these reasons, this variant has been classified as Pathogenic.

Fulgent Genetics
Classification: Pathogenic for Polycystic kidney disease 4. Last evaluated: 2024-02-22. Review status: criteria provided, single submitter. Criteria: ACMG Guidelines, 2015. Collection method: clinical testing. Allele origin: germline.

Baylor Genetics
Classification: Pathogenic for Polycystic kidney disease 4. Last evaluated: 2024-01-18. Review status: criteria provided, single submitter. Criteria: ACMG Guidelines, 2015. Collection method: clinical testing. Allele origin: unknown.

Women's Health and Genetics/Laboratory Corporation of America, LabCorp
Classification: Pathogenic for Autosomal recessive polycystic kidney disease. Last evaluated: 2021-12-27. Review status: criteria provided, single submitter. Criteria: LabCorp Variant Classification Summary - May 2015. Collection method: clinical testing. Allele origin: germline.
Comment: Variant summary: PKHD1 c.9718C>T (p.Arg3240X) results in a premature termination codon, predicted to cause a truncation of the encoded protein or absence of the protein due to nonsense mediated decay, which are commonly known mechanisms for disease. Truncations downstream of this position have been classified as pathogenic by our laboratory. The variant allele was found at a frequency of 8e-06 in 251230 control chromosomes (gnomAD). c.9718C>T has been reported in the literature in multiple individuals affected with Polycystic Kidney and Hepatic Disease (Bergmann_2003, Bergmann_2005, Shuster_2019, Burgmaier_2021). These data indicate that the variant is very likely to be associated with disease. To our knowledge, no experimental evidence demonstrating an impact on protein function has been reported. Two clinical diagnostic laboratories have submitted clinical-significance assessments for this variant to ClinVar after 2014 without evidence for independent evaluation, and both of them classified the variant as pathogenic/likely pathogenic. Based on the evidence outlined above, the variant was classified as pathogenic.

Eurofins Ntd Llc (ga)
Classification: Pathogenic. Last evaluated: 2018-02-21. Review status: criteria provided, single submitter. Criteria: EGL ClinVar v180209 classification definitions. Collection method: clinical testing. Allele origin: germline. Observed: 2 variant alleles, 2 heterozygotes.

Neuberg Centre For Genomic Medicine, NCGM
Classification: Pathogenic for Polycystic kidney disease 4. Review status: criteria provided, single submitter. Criteria: ACMG Guidelines, 2015. Collection method: clinical testing. Allele origin: germline. Inheritance: Autosomal dominant inheritance. Affected: yes.
Comment: The stop-gained variant c.9718C>T(p.Arg3240Ter) in the PKHD1 gene has been reported in the compound heterozygous state in multiple individuals affected with polycystic kidney disease (Bergmann et al., 2003; Bergmann et al., 2005). The variant has 0.0007% allele frequency in gnomAD Exomes. It has been submitted to ClinVar as Pathogenic/ Likely Pathogenic. This variant is predicted to cause loss of normal protein function through protein truncation. Loss of function variants has been previously reported to be disease causing. For these reasons, this variant has been classified as Pathogenic. In the absence of another reportable variant, the molecular diagnosis is not confirmed.

Counsyl
Classification: Likely pathogenic for Polycystic kidney disease 4. Last evaluated: 2016-02-26. Review status: no assertion criteria provided. Collection method: clinical testing. Allele origin: unknown. Not counted in ClinVar's aggregate classification.

Literature cited by the submitters: PubMed 12506140 (cited by 3 submitters); PubMed 19940839 (cited by Labcorp Genetics (formerly Invitae), Labcorp); PubMed 30650191 (cited by Labcorp Genetics (formerly Invitae), Labcorp and Women's Health and Genetics/Laboratory Corporation of America, LabCorp); PubMed 15698423 (cited by Women's Health and Genetics/Laboratory Corporation of America, LabCorp and Counsyl); PubMed 33940108 (cited by Women's Health and Genetics/Laboratory Corporation of America, LabCorp).

NM_138694.4(PKHD1):c.9718C>T (p.Arg3240Ter)

Gene: PKHD1 (PKHD1 ciliary IPT domain containing fibrocystin/polyductin; minus strand). Cytogenetic location: 6p12.3.
Variant type: single nucleotide variant.
Coding change: c.9718C>T on transcript NM_138694.4 (MANE Select); coding-DNA position 9718, C replaced by T.
Protein change: p.Arg3240Ter; replaces arginine 3240 with a stop codon.
Molecular consequence: nonsense.
Genome position (GRCh38, 1-based): chr6:51,747,898, G>A on the plus strand (C>T on the coding strand, the complement: PKHD1 is on the minus strand). VCF-style: chr6-51747898-G-A. GRCh37 (hg19) VCF-style: chr6-51612696-G-A.
Other names: c.9718C>T, p.Arg3240Ter (NM_170724.3); short protein forms R3240*.
Identifiers: ClinVar variation 370548 (VCV000370548.22), dbSNP rs1057516577, ClinGen allele CA16041031.